The following is an entry in ClinVar:

NM_001034853.2(RPGR):c.171C>A (p.Tyr57Ter)

Gene: RPGR (retinitis pigmentosa GTPase regulator; minus strand). Cytogenetic location: Xp11.4.
Variant type: single nucleotide variant.
Coding change: c.171C>A on transcript NM_001034853.2 (MANE Select); coding-DNA position 171, C replaced by A.
Protein change: p.Tyr57Ter; replaces tyrosine 57 with a stop codon.
Molecular consequence: nonsense. On other transcripts: non-coding transcript variant (6).
Genome position (GRCh38, 1-based): chrX:38,322,929, G>T on the plus strand (C>A on the coding strand, the complement: RPGR is on the minus strand). VCF-style: chrX-38322929-G-T. GRCh37 (hg19) VCF-style: chrX-38182182-G-T.
Other names: p.Tyr57Ter; c.171C>A, p.Tyr57Ter (NM_000328.3, NM_001367245.1, NM_001367246.1 and 4 more transcripts); c.201C>A, p.Tyr67Ter (NM_001367248.1); short protein forms Y57*, Y67*.
Identifiers: ClinVar variation 4796014 (VCV004796014.1).

ClinVar aggregate classification (germline): Likely pathogenic (1 of 4 stars; one submission).

Conditions:
X-linked cone-rod dystrophy 1 (CORDX1). Identifiers: Orphanet 1872, MedGen C1844776, MONDO:0010566, OMIM 304020.

Submission:

Foundation for Research in Genetics and Endocrinology, FRIGE's Institute of Human Genetics
Classification: Likely pathogenic for X-linked cone-rod dystrophy 1. Last evaluated: 2026-02-20. Review status: criteria provided, single submitter. Criteria: ACMG Guidelines, 2015. Collection method: clinical testing. Allele origin: germline. Inheritance: X-linked recessive inheritance. Affected: yes. Observed: 1 hemizygote.
Comment: A hemizygous nonsense variant in exon 3 of the RPGR gene, that results in a stop codon and premature truncation of the protein at codon 57 (p.Tyr57Ter) was detected. The p.Tyr57Ter variant has not been reported in the 1000 genomes, gnomAD (v3.1), gnomAD (v2.1) and topmed databases. The reference codon is conserved across species. In summary, the variant meets our criteria to be classified as pathogenic. In summary, the variant meets our criteria to be classified as Likely pathogenic.